The following is an entry in ClinVar:

NM_001267550.2(TTN):c.89984T>C (p.Ile29995Thr)

Genes: TTN (titin; minus strand), TTN-AS1 (TTN antisense RNA 1; plus strand). Cytogenetic location: 2q31.2.
Variant type: single nucleotide variant.
Coding change: c.89984T>C on transcript NM_001267550.2 (MANE Select); coding-DNA position 89984, T replaced by C.
Protein change: p.Ile29995Thr; replaces isoleucine 29995 with threonine.
Molecular consequence: missense variant.
Genome position (GRCh38, 1-based): chr2:178,552,916, A>G on the plus strand (T>C on the coding strand, the complement: TTN is on the minus strand). VCF-style: chr2-178552916-A-G. GRCh37 (hg19) VCF-style: chr2-179417643-A-G.
Other names: c.89984T>C (NM_001267550.1); c.85061T>C, p.Ile28354Thr (NM_001256850.1); c.62789T>C, p.Ile20930Thr (NM_003319.4); c.82280T>C, p.Ile27427Thr (NM_133378.4); c.63164T>C, p.Ile21055Thr (NM_133432.3); c.63365T>C, p.Ile21122Thr (NM_133437.4); short protein forms I29995T, I27427T, I28354T, I20930T, I21055T, I21122T.
Identifiers: ClinVar variation 196154 (VCV000196154.9), dbSNP rs754676727, ClinGen allele CA243015.

ClinVar aggregate classification (germline): Conflicting classifications of pathogenicity. Review status: criteria provided, conflicting classifications (1 of 4 stars). 5 submissions from 5 submitters: Uncertain significance (3); Likely benign (2). Last evaluated 2026-03-27.

Conditions:
Cardiovascular phenotype. Identifiers: MedGen CN230736.

Allele frequency attached by ClinVar (database versions not stated): gnomAD exomes below 0.00001 and 0.00003; ExAC 0.00001; TOPMed 0.00002; gnomAD 0.00003.
gnomAD v4.1: 42 of 1,613,608 alleles (0.0026%); highest among the groups gnomAD compares: African/African-American, 0.008%; no homozygotes.

Submissions (5):

Molecular Diagnostic Laboratory for Inherited Cardiovascular Disease, Montreal Heart Institute
Classification: Likely benign. Last evaluated: 2026-03-27. Review status: criteria provided, single submitter. Criteria: ACMG Guidelines, 2015. Collection method: clinical testing. Allele origin: germline. Affected: no.

Athena Diagnostics
Classification: Uncertain significance. Last evaluated: 2025-09-08. Review status: criteria provided, single submitter. Criteria: Athena Diagnostics Criteria. Collection method: clinical testing. Allele origin: unknown.
Comment: Available data are insufficient to determine the clinical significance of the variant at this time. The frequency of this variant in the general population is uninformative in assessment of its pathogenicity. Polyphen and MutationTaster predict this amino acid change may be benign.

GeneDx
Classification: Likely benign. Last evaluated: 2017-06-07. Review status: criteria provided, single submitter. Criteria: GeneDx Variant Classification (06012015). Collection method: clinical testing. Allele origin: germline. Affected: yes.
Comment: This variant is considered likely benign or benign based on one or more of the following criteria: it is a conservative change, it occurs at a poorly conserved position in the protein, it is predicted to be benign by multiple in silico algorithms, and/or has population frequency not consistent with disease.

Eurofins Ntd Llc (ga)
Classification: Uncertain significance. Last evaluated: 2015-06-03. Review status: criteria provided, single submitter. Criteria: EGL Classification Definitions 2015. Collection method: clinical testing. Allele origin: germline. Observed: 1 variant allele, 1 heterozygote.

Ambry Genetics
Classification: Uncertain significance for Cardiovascular phenotype. Last evaluated: 2013-10-11. Review status: criteria provided, single submitter. Criteria: Ambry Autosomal Dominant and X-Linked criteria (10/2015). Collection method: clinical testing. Allele origin: germline. Observed: 1 variant allele.
Comment: The p.I27427T variant (also known as c.82280T>C) is located in coding exon 283 of theTTNgene. This alteration results from a T to C substitution at nucleotide position 82280. The isoleucine at codon 27427 is replaced by threonine, an amino acid with some similar properties. Ã¢â‚¬â€¹This variant was not reported in population-based cohorts in the following databases: Database of Single Nucleotide Polymorphisms (dbSNP), the 1000 Genomes Project and the NHLBI Exome Sequencing Project (ESP). In the ESP, this variant was not observed in 5593 samples (11986 alleles) with coverage at this position. Based on protein sequence alignment, this amino acid position is not well conserved in available vertebrate species, with threonine as the reference amino acid in many species.In addition, this alteration is predicted to be benign by PolyPhen in silico analysis. Sinceevidence is limited at this time, the clinical significance of this variant remains unclear.